The following is an entry in ClinVar:

NM_020680.4(SCYL1):c.1274A>G (p.Asn425Ser)

Gene: SCYL1 (SCY1 like pseudokinase 1; plus strand). Cytogenetic location: 11q13.1.
Variant type: single nucleotide variant.
Coding change: c.1274A>G on transcript NM_020680.4 (MANE Select); coding-DNA position 1274, A replaced by G.
Protein change: p.Asn425Ser; replaces asparagine 425 with serine.
Molecular consequence: missense variant.
Genome position (GRCh38, 1-based): chr11:65,535,270, A>G. VCF-style: chr11-65535270-A-G. GRCh37 (hg19) VCF-style: chr11-65302741-A-G.
Other names: c.1274A>G, p.Asn425Ser (NM_001048218.2, NM_001411022.1); short protein forms N425S.
Identifiers: ClinVar variation 3158810 (VCV003158810.2), dbSNP rs957135838, ClinGen allele CA224003808.
Genomic context (GRCh38, chr11:65,535,270, plus strand): 5'-TCATTTCTGCCCCACAGTCCATGCTGCTCCTGGCCCCAAAGCTGAACGAGGCCAACCTCA[A>G]TGTGGAGCTGATGAAGCACTTTGCACGGCTACAGGCCAAGGATGAACAGGGCCCCATCCG-3'
Protein context (NP_065731.3, residues 415-435): LAPKLNEANL[Asn425Ser]VELMKHFARL

ClinVar aggregate classification (germline): Uncertain significance. Review status: criteria provided, multiple submitters, no conflicts (2 of 4 stars). 2 submissions from 2 submitters: Uncertain significance (2). Last evaluated 2026-08-01.

Conditions:
Inborn genetic diseases. Identifiers: MedGen C0950123, MeSH D030342.

Allele frequency attached by ClinVar (database versions not stated): TOPMed below 0.00001; gnomAD 0.00001; gnomAD exomes 0.00002.
gnomAD v4.1: 32 of 1,614,122 alleles (0.002%); highest among the groups gnomAD compares: Middle Eastern, 0.016%; no homozygotes.

Submissions (2):

CeGaT Center for Human Genetics Tuebingen
Classification: Uncertain significance. Last evaluated: 2026-08-01. Review status: criteria provided, single submitter. Criteria: CeGaT Center For Human Genetics Tuebingen Variant Classification Criteria Version 2. Collection method: clinical testing. Allele origin: germline. Affected: yes. Observed: 1 variant allele.
Comment: SCYL1: PM2

Ambry Genetics
Classification: Uncertain significance for Inborn genetic diseases. Last evaluated: 2021-10-26. Review status: criteria provided, single submitter. Criteria: Ambry Variant Classification Scheme 2023. Collection method: clinical testing. Allele origin: germline.